The following is an entry in ClinVar:

NM_014218.3(KIR2DL1):c.262A>G (p.Ser88Gly)

Gene: KIR2DL1 (killer cell immunoglobulin like receptor, two Ig domains and long cytoplasmic tail 1). Cytogenetic location: 19q13.42.
Variant type: single nucleotide variant.
Coding change: c.262A>G on transcript NM_014218.3 (MANE Select); coding-DNA position 262, A replaced by G.
Protein change: p.Ser88Gly; replaces serine 88 with glycine.
Molecular consequence: missense variant.
Genome position (GRCh38, 1-based): chr19:54,773,524, A>G. VCF-style: chr19-54773524-A-G. GRCh37 (hg19) VCF-style: chr19-55284976-A-G.
Other names: short protein forms S88G.
Identifiers: ClinVar variation 3057112 (VCV003057112.2), dbSNP rs79002558, ClinGen allele CA309884557.
Genomic context (GRCh38, chr19:54,773,524, plus strand): 5'-GACACTTTGCGCCTCATTGGAGAACACCATGATGGGGTCTCCAAGGCCAACTTCTCCATC[A>G]GTCGCATGACGCAAGACCTGGCAGGGACCTACAGATGCTACGGTTCTGTTACTCACTCCC-3'
Protein context (NP_055033.2, residues 78-98): DGVSKANFSI[Ser88Gly]RMTQDLAGTY

ClinVar aggregate classification (germline): Likely benign (0 of 4 stars; one submission).

Conditions:
KIR2DL1-related disorder. Also called: KIR2DL1-related condition.

Allele frequency attached by ClinVar (database versions not stated): 1000 Genomes Project 0.00080; ExAC 0.00087; 1000 Genomes Project 30x 0.04700.

Submission:

PreventionGenetics, part of Exact Sciences
Classification: Likely benign for KIR2DL1-related condition. Last evaluated: 2022-02-18. Review status: no assertion criteria provided. Collection method: clinical testing. Allele origin: germline.
Comment: This variant is classified as likely benign based on ACMG/AMP sequence variant interpretation guidelines (Richards et al. 2015 PMID: 25741868, with internal and published modifications).